The following is an entry in ClinVar:

ClinVar aggregate classification (germline): Uncertain significance (1 of 4 stars; one submission).

Conditions:
Peroxisome biogenesis disorder 12A (Zellweger). Also called: Peroxisome biogenesis disorder 12A. Identifiers: Orphanet 912, MedGen C3554002, MONDO:0013951, OMIM 614886.

Allele frequency attached by ClinVar (database versions not stated): gnomAD 0.00001.
gnomAD v4.1: 6 of 1,609,750 alleles (0.00037%); highest among the groups gnomAD compares: African/African-American, 0.0013%; no homozygotes.

Submission:

Labcorp Genetics (formerly Invitae), Labcorp
Classification: Uncertain significance for Peroxisome biogenesis disorder 12A (Zellweger). Last evaluated: 2022-08-19. Review status: criteria provided, single submitter. Criteria: Invitae Variant Classification Sherloc (09022015). Collection method: clinical testing. Allele origin: germline.
Comment: This sequence change replaces threonine, which is neutral and polar, with alanine, which is neutral and non-polar, at codon 58 of the PEX19 protein (p.Thr58Ala). This variant is present in population databases (no rsID available, gnomAD 0.004%). This variant has not been reported in the literature in individuals affected with PEX19-related conditions. Algorithms developed to predict the effect of missense changes on protein structure and function (SIFT, PolyPhen-2, Align-GVGD) all suggest that this variant is likely to be tolerated. In summary, the available evidence is currently insufficient to determine the role of this variant in disease. Therefore, it has been classified as a Variant of Uncertain Significance.

NM_002857.4(PEX19):c.172A>G (p.Thr58Ala)

Gene: PEX19 (peroxisomal biogenesis factor 19; minus strand). Cytogenetic location: 1q23.2.
Variant type: single nucleotide variant.
Coding change: c.172A>G on transcript NM_002857.4 (MANE Select); coding-DNA position 172, A replaced by G.
Protein change: p.Thr58Ala; replaces threonine 58 with alanine.
Molecular consequence: missense variant. On other transcripts: non-coding transcript variant (1).
Genome position (GRCh38, 1-based): chr1:160,283,538, T>C on the plus strand (A>G on the coding strand, the complement: PEX19 is on the minus strand). VCF-style: chr1-160283538-T-C. GRCh37 (hg19) VCF-style: chr1-160253328-T-C.
Other names: c.172A>G, p.Thr58Ala (NM_001193644.1); short protein forms T58A.
Identifiers: ClinVar variation 2047930 (VCV002047930.1), dbSNP rs748218767, ClinGen allele CA343264290.